The following is an entry in ClinVar:

ClinVar aggregate classification (germline): Uncertain significance (1 of 4 stars; one submission).

Submission:

Labcorp Genetics (formerly Invitae), Labcorp
Classification: Uncertain significance. Last evaluated: 2022-10-13. Review status: criteria provided, single submitter. Criteria: Invitae Variant Classification Sherloc (09022015). Collection method: clinical testing. Allele origin: germline.
Comment: This variant, c.816_827dup, results in the insertion of 4 amino acid(s) of the MYCN protein (p.Asp272_Glu275dup), but otherwise preserves the integrity of the reading frame. This variant is present in population databases (rs745328158, gnomAD 0.007%). This variant has not been reported in the literature in individuals affected with MYCN-related conditions. Experimental studies and prediction algorithms are not available or were not evaluated, and the functional significance of this variant is currently unknown. In summary, the available evidence is currently insufficient to determine the role of this variant in disease. Therefore, it has been classified as a Variant of Uncertain Significance.

NM_005378.6(MYCN):c.804TGAAGAGGAAGA[3] (p.Glu275_Glu276insAspGluGluGlu)

Gene: MYCN (MYCN proto-oncogene, bHLH transcription factor; plus strand). Cytogenetic location: 2p24.3.
Variant type: Microsatellite.
Coding change: c.804TGAAGAGGAAGA[3] on transcript NM_005378.6 (MANE Select); three copies in a row of the 12-base unit TGAAGAGGAAGA starting at c.804; the reference has two copies in a row; one copy, 12 bases duplicated.
Protein change: p.Glu275_Glu276insAspGluGluGlu.
Molecular consequence: inframe insertion. On other transcripts: 3 prime UTR variant (1).
Genome position (GRCh38, 1-based): chr2:15,945,518-15,945,529, TGAAGAGGAAGA duplicated; duplicating any 12 consecutive bases within chr2:15,945,504-15,945,529 gives the same sequence; the position shown is the placement nearest the transcript's 3' end. VCF-style (leftmost placement, unchanged base first): chr2-15945503-T-TGATGAAGAGGAA. GRCh37 (hg19) VCF-style: chr2-16085625-T-TGATGAAGAGGAA.
Other names: c.804TGAAGAGGAAGA[3], p.Glu275_Glu276insAspGluGluGlu (NM_001293228.2); c.171TGAAGAGGAAGA[3], p.Glu64_Glu65insAspGluGluGlu (NM_001293231.2); c.*739TGAAGAGGAAGA[3] (NM_001293233.2).
Identifiers: ClinVar variation 1978553 (VCV001978553.4), dbSNP rs745328158, ClinGen allele CA1538248.
Genomic context (GRCh38, chr2:15,945,503, plus strand): 5'-ATTTCATTCAAATGGTTCTCACATGAGAGTAACTAGCATCTTTCTCTCAGATGATGAAGA[T>TGATGAAGAGGAA]GATGAAGAGGAAGATGAAGAGGAAGAAATCGACGTGGTCACTGTGGAGAAGCGGCGTTCC-3'